The following is an entry in ClinVar:

NM_000081.4(LYST):c.7997T>A (p.Ile2666Asn)

Gene: LYST (lysosomal trafficking regulator; minus strand). Cytogenetic location: 1q42.3.
Variant type: single nucleotide variant.
Coding change: c.7997T>A on transcript NM_000081.4 (MANE Select); coding-DNA position 7997, T replaced by A.
Protein change: p.Ile2666Asn; replaces isoleucine 2666 with asparagine.
Molecular consequence: missense variant.
Genome position (GRCh38, 1-based): chr1:235,744,133, A>T on the plus strand (T>A on the coding strand, the complement: LYST is on the minus strand). VCF-style: chr1-235744133-A-T. GRCh37 (hg19) VCF-style: chr1-235907433-A-T.
Other names: c.7997T>A, p.Ile2666Asn (NM_001301365.1); short protein forms I2666N.
Identifiers: ClinVar variation 1006501 (VCV001006501.7), dbSNP rs369246831, ClinGen allele CA1465966.

ClinVar aggregate classification (germline): Uncertain significance. Review status: criteria provided, multiple submitters, no conflicts (2 of 4 stars). 3 submissions from 3 submitters: Uncertain significance (3). Last evaluated 2025-07-14.

Conditions:
Inborn genetic diseases. Identifiers: MedGen C0950123, MeSH D030342.
Chédiak-Higashi syndrome (CHS). Also called: Chediak-Higashi Syndrome. Identifiers: Orphanet 167, MedGen C0007965, MONDO:0008963, OMIM 214500.

Allele frequency attached by ClinVar (database versions not stated): gnomAD exomes 0.00001 and 0.00003; ExAC 0.00002; gnomAD 0.00002; TOPMed 0.00002; 1000 Genomes Project 0.00020; 1000 Genomes Project 30x 0.00047.

Submissions (3):

Ambry Genetics
Classification: Uncertain significance for Inborn genetic diseases. Last evaluated: 2025-07-14. Review status: criteria provided, single submitter. Criteria: Ambry Variant Classification Scheme 2023. Collection method: clinical testing. Allele origin: germline.

Labcorp Genetics (formerly Invitae), Labcorp
Classification: Uncertain significance for Chédiak-Higashi syndrome. Last evaluated: 2022-07-28. Review status: criteria provided, single submitter. Criteria: Invitae Variant Classification Sherloc (09022015). Collection method: clinical testing. Allele origin: germline.
Comment: This sequence change replaces isoleucine, which is neutral and non-polar, with asparagine, which is neutral and polar, at codon 2666 of the LYST protein (p.Ile2666Asn). This variant is present in population databases (rs369246831, gnomAD 0.03%). This variant has not been reported in the literature in individuals affected with LYST-related conditions. ClinVar contains an entry for this variant (Variation ID: 1006501). Algorithms developed to predict the effect of missense changes on protein structure and function are either unavailable or do not agree on the potential impact of this missense change (SIFT: "Tolerated"; PolyPhen-2: "Possibly Damaging"; Align-GVGD: "Class C0"). In summary, the available evidence is currently insufficient to determine the role of this variant in disease. Therefore, it has been classified as a Variant of Uncertain Significance.

GeneDx
Classification: Uncertain significance. Last evaluated: 2019-08-20. Review status: criteria provided, single submitter. Criteria: GeneDx Variant Classification Process June 2021. Collection method: clinical testing. Allele origin: germline. Affected: yes.
Comment: In silico analysis, which includes protein predictors and evolutionary conservation, supports that this variant does not alter protein structure/function; Has not been previously published as pathogenic or benign to our knowledge